The following is an entry in ClinVar:

NM_005222.4(DLX6):c.81GCAGCAGCAGCAGCAGCAACAGCA[4] (p.Gln44_Pro45insGlnGlnGlnGlnGlnGlnGlnGlnGlnGlnGlnGlnGlnGlnGlnGln)

Genes: DLX6 (distal-less homeobox 6; plus strand), DLX6-AS1 (DLX6 antisense RNA 1; minus strand). Cytogenetic location: 7q21.3.
Variant type: Microsatellite.
Coding change: c.81GCAGCAGCAGCAGCAGCAACAGCA[4] on transcript NM_005222.4 (MANE Select); four copies in a row of the 24-base unit GCAGCAGCAGCAGCAGCAACAGCA starting at c.81; the reference has two copies in a row; two copies, 48 bases duplicated.
Protein change: p.Gln44_Pro45insGlnGlnGlnGlnGlnGlnGlnGlnGlnGlnGlnGlnGlnGlnGlnGln.
Genome position (GRCh38, 1-based): chr7:97,006,058-97,006,105, 48 bases duplicated; duplicating any 48 consecutive bases within chr7:97,006,053-97,006,105 gives the same sequence; the position shown is the placement nearest the transcript's 3' end. GRCh37 (hg19), VCF-style position (the base before the change): chr7:96,635,364.
Identifiers: ClinVar variation 3706717 (VCV003706717.2).
Genomic context (GRCh38, chr7:97,006,052, plus strand): 5'-TACGATGGCTGACGGCTTGGAAGGCCAGGACTCGTCCAAATCCGCCTTCATGGAGTTCGG[G>GCAGCAGCAGCAGCAGCAGCAGCAACAGCAGCAGCAGCAGCAGCAGCAA]CAGCAGCAGCAGCAGCAGCAGCAACAGCAGCAGCAGCAGCAGCAGCAACAGCAACAGCCG-3'

ClinVar aggregate classification (germline): Uncertain significance (1 of 4 stars; one submission).

Submission:

Labcorp Genetics (formerly Invitae), Labcorp
Classification: Uncertain significance. Last evaluated: 2024-08-31. Review status: criteria provided, single submitter. Criteria: Invitae Variant Classification Sherloc (09022015). Collection method: clinical testing. Allele origin: germline.
Comment: This variant, c.81_128dup, results in the insertion of 16 amino acid(s) of the DLX6 protein (p.Gln29_Gln44dup), but otherwise preserves the integrity of the reading frame. The frequency data for this variant in the population databases is considered unreliable, as metrics indicate poor data quality at this position in the gnomAD database. This variant has not been reported in the literature in individuals affected with DLX6-related conditions. Experimental studies and prediction algorithms are not available or were not evaluated, and the functional significance of this variant is currently unknown. In summary, the available evidence is currently insufficient to determine the role of this variant in disease. Therefore, it has been classified as a Variant of Uncertain Significance.